The following is an entry in ClinVar:

ClinVar aggregate classification (germline): Benign/Likely benign. Review status: criteria provided, multiple submitters, no conflicts (2 of 4 stars). 18 submissions from 16 submitters: Benign (3); Likely benign (11). 4 of the submissions do not count toward it. Last evaluated 2026-08-01.

Conditions:
Idiopathic Pulmonary Fibrosis. Also called: Idiopathic fibrosing alveolitis, chronic form; idiopathic fibrosing alveolitis. Identifiers: Orphanet 2032, MedGen C1800706, MeSH D054990, MONDO:0800504.
Dyskeratosis congenita, autosomal dominant 2. Identifiers: MedGen C3151443, MONDO:0013521, OMIM 613989.
Dyskeratosis congenita. Identifiers: Orphanet 1775, MedGen C0265965, MONDO:0015780.
Pulmonary fibrosis and/or bone marrow failure, Telomere-related, 1. Also called: PULMONARY FIBROSIS AND/OR BONE MARROW FAILURE SYNDROME, TELOMERE-RELATED, 1. Identifiers: Orphanet 88, MedGen C3553617, MONDO:0013878, OMIM 614742.
Aplastic anemia. Identifiers: Orphanet 182040, Orphanet 88, MedGen C0002874, MONDO:0015909, OMIM 609135, HP:0001915.

Allele frequency attached by ClinVar (database versions not stated): 1000 Genomes Project 30x 0.00094; 1000 Genomes Project 0.00100; ExAC 0.00238; TOPMed 0.00239; gnomAD exomes 0.00243 and 0.00346; gnomAD 0.00250 and 0.00255; ESP Exome Variant Server 0.00292.
gnomAD v4.1: 5,436 of 1,613,634 alleles (0.34%); highest among the groups gnomAD compares: Non-Finnish European, 0.39%; 10 homozygotes.

Submissions (18):

CeGaT Center for Human Genetics Tuebingen
Classification: Likely benign. Last evaluated: 2026-08-01. Review status: criteria provided, single submitter. Criteria: CeGaT Center For Human Genetics Tuebingen Variant Classification Criteria Version 2. Collection method: clinical testing. Allele origin: germline. Affected: yes. Observed: 44 variant alleles.
Comment: TERT: BP4, BP7

Labcorp Genetics (formerly Invitae), Labcorp
Classification: Benign for Dyskeratosis congenita, autosomal dominant 2; Idiopathic Pulmonary Fibrosis. Last evaluated: 2026-02-02. Review status: criteria provided, single submitter. Criteria: Invitae Variant Classification Sherloc (09022015). Collection method: clinical testing. Allele origin: germline.

Mayo Clinic Laboratories, Mayo Clinic
Classification: Likely benign. Last evaluated: 2025-01-03. Review status: criteria provided, single submitter. Criteria: ACMG Guidelines, 2015. Collection method: clinical testing. Allele origin: germline. Observed: 6 variant alleles.
Comment: BS1, BP4, BP7

Blueprint Genetics
Classification: Likely benign. Last evaluated: 2024-11-15. Review status: criteria provided, single submitter. Criteria: ACMG Guidelines, 2015. Collection method: clinical testing. Allele origin: germline.

GeneDx
Classification: Likely benign. Last evaluated: 2021-10-13. Review status: criteria provided, single submitter. Criteria: GeneDx Variant Classification Process June 2021. Collection method: clinical testing. Allele origin: germline. Affected: yes.
Comment: This variant is associated with the following publications: (PMID: 16110488)

Sema4
Classification: Likely benign for Dyskeratosis congenita. Last evaluated: 2021-07-13. Review status: criteria provided, single submitter. Criteria: Sema4 Curation Guidelines. Collection method: curation. Allele origin: germline.

Illumina Laboratory Services, Illumina
Classification: Benign for Pulmonary fibrosis and/or bone marrow failure, Telomere-related, 1. Last evaluated: 2018-01-13. Review status: criteria provided, single submitter. Criteria: ICSL Variant Classification Criteria 13 December 2019. Collection method: clinical testing. Allele origin: germline.
Comment: This variant was observed in the ICSL laboratory as part of a predisposition screen in an ostensibly healthy population. It had not been previously curated by ICSL or reported in the Human Gene Mutation Database (HGMD: prior to June 1st, 2018), and was therefore a candidate for classification through an automated scoring system. Utilizing variant allele frequency, disease prevalence and penetrance estimates, and inheritance mode, an automated score was calculated to assess if this variant is too frequent to cause the disease. Based on the score and internal cut-off values, a variant classified as benign is not then subjected to further curation. The score for this variant resulted in a classification of benign for this disease.

Illumina Laboratory Services, Illumina
Classification: Likely benign for Aplastic anemia. Last evaluated: 2018-01-13. Review status: criteria provided, single submitter. Criteria: ICSL Variant Classification Criteria 13 December 2019. Collection method: clinical testing. Allele origin: germline.
Comment: This variant was observed in the ICSL laboratory as part of a predisposition screen in an ostensibly healthy population. It had not been previously curated by ICSL or reported in the Human Gene Mutation Database (HGMD: prior to June 1st, 2018), and was therefore a candidate for classification through an automated scoring system. Utilizing variant allele frequency, disease prevalence and penetrance estimates, and inheritance mode, an automated score was calculated to assess if this variant is too frequent to cause the disease. Based on the score and internal cut-off values, a variant classified as likely benign is not then subjected to further curation. The score for this variant resulted in a classification of likely benign for this disease.

Illumina Laboratory Services, Illumina
Classification: Likely benign for Dyskeratosis congenita, autosomal dominant 2. Last evaluated: 2018-01-13. Review status: criteria provided, single submitter. Criteria: ICSL Variant Classification Criteria 13 December 2019. Collection method: clinical testing. Allele origin: germline.
Comment: the same text as in the submission from Illumina Laboratory Services, Illumina above.

Ambry Genetics
Classification: Likely benign for Dyskeratosis congenita. Last evaluated: 2017-08-03. Review status: criteria provided, single submitter. Criteria: Ambry Variant Classification Scheme 2023. Collection method: clinical testing. Allele origin: germline.

Genetic Services Laboratory, University of Chicago
Classification: Likely benign. Last evaluated: 2017-06-19. Review status: criteria provided, single submitter. Criteria: ACMG Guidelines, 2015. Collection method: clinical testing. Allele origin: germline. Affected: no.

Laboratory for Molecular Medicine, Mass General Brigham Personalized Medicine
Classification: Benign. Last evaluated: 2013-02-21. Review status: criteria provided, single submitter. Criteria: LMM Criteria. Collection method: clinical testing. Allele origin: germline. Observed: 2 variant alleles.
Comment: Ala604Ala in exon 4 of TERT: This variant is not expected to have clinical signi ficance because it does not alter an amino acid residue and is not located withi n the splice consensus sequence. It has been identified in 0.4% (32/8600) of Eur opean American chromosomes from a broad population by the NHLBI Exome Sequencing Project (dbSNP rs33959226).

Breakthrough Genomics
Classification: Likely benign. Review status: criteria provided, single submitter. Criteria: ACMG Guidelines, 2015. Collection method: not provided. Allele origin: germline. Inheritance: Autosomal recessive inheritance. Affected: yes.

PreventionGenetics, part of Exact Sciences
Classification: Likely benign. Review status: criteria provided, single submitter. Criteria: ACMG Guidelines, 2015. Collection method: clinical testing. Allele origin: germline.

Clinical Genetics DNA and cytogenetics Diagnostics Lab, Erasmus MC, Erasmus Medical Center
Classification: Likely benign. Review status: no assertion criteria provided. Collection method: clinical testing. Allele origin: germline. Affected: yes. Study: VKGL Data-share Consensus. Not counted in ClinVar's aggregate classification.

Diagnostic Laboratory, Department of Genetics, University Medical Center Groningen
Classification: Likely benign. Review status: no assertion criteria provided. Collection method: clinical testing. Allele origin: germline. Affected: yes. Study: VKGL Data-share Consensus. Not counted in ClinVar's aggregate classification.

Genome Diagnostics Laboratory, Amsterdam University Medical Center
Classification: Benign. Review status: no assertion criteria provided. Collection method: clinical testing. Allele origin: germline. Affected: yes. Study: VKGL Data-share Consensus. Not counted in ClinVar's aggregate classification.

Joint Genome Diagnostic Labs from Nijmegen and Maastricht, Radboudumc and MUMC+
Classification: Likely benign. Review status: no assertion criteria provided. Collection method: clinical testing. Allele origin: germline. Affected: yes. Study: VKGL Data-share Consensus. Not counted in ClinVar's aggregate classification.

NM_198253.3(TERT):c.1812A>G (p.Ala604=)

Gene: TERT (telomerase reverse transcriptase; minus strand). Cytogenetic location: 5p15.33.
Variant type: single nucleotide variant.
Coding change: c.1812A>G on transcript NM_198253.3 (MANE Select); coding-DNA position 1812, A replaced by G.
Protein change: p.Ala604=; no amino-acid change (alanine 604 retained).
Molecular consequence: synonymous variant. On other transcripts: non-coding transcript variant (2).
Genome position (GRCh38, 1-based): chr5:1,280,296, T>C on the plus strand (A>G on the coding strand, the complement: TERT is on the minus strand). VCF-style: chr5-1280296-T-C. GRCh37 (hg19) VCF-style: chr5-1280411-T-C.
Other names: p.Ala604=; c.1812A>G, p.Ala604= (NM_001193376.3).
Identifiers: ClinVar variation 165379 (VCV000165379.70), dbSNP rs33959226, ClinGen allele CA178134.